The following is an entry in ClinVar:

NM_198282.4(STING1):c.412-121G>A

Gene: STING1 (stimulator of interferon response cGAMP interactor 1; minus strand). Cytogenetic location: 5q31.2.
Variant type: single nucleotide variant.
Coding change: c.412-121G>A on transcript NM_198282.4 (MANE Select); 121 bases into the intron before coding-DNA position 412, G replaced by A.
Molecular consequence: intron variant.
Genome position (GRCh38, 1-based): chr5:139,481,019, C>T on the plus strand (G>A on the coding strand, the complement: STING1 is on the minus strand). VCF-style: chr5-139481019-C-T. GRCh37 (hg19) VCF-style: chr5-138860604-C-T.
Other names: c.55-121G>A (NM_001367258.1); c.412-121G>A (NM_001301738.2).
Identifiers: ClinVar variation 1239282 (VCV001239282.5), dbSNP rs7380272, ClinGen allele CA15385251.

ClinVar aggregate classification (germline): Benign. Review status: criteria provided, multiple submitters, no conflicts (2 of 4 stars). 2 submissions from 2 submitters: Benign (2). Last evaluated 2023-11-12.

Allele frequency attached by ClinVar (database versions not stated): gnomAD exomes 0.15835; gnomAD 0.19223 and 0.19678; TOPMed 0.20922; 1000 Genomes Project 30x 0.25906; 1000 Genomes Project 0.26498.

Submissions (2):

Unidad de Genómica Garrahan, Hospital de Pediatría Garrahan
Classification: Benign. Last evaluated: 2023-11-12. Review status: criteria provided, single submitter. Criteria: ACMG Guidelines, 2015. Collection method: clinical testing. Allele origin: germline. Affected: no. Observed: 44 variant alleles.
Comment: This variant is classified as Benign based on local population frequency. This variant was detected in 46% of patients studied by a panel of primary immunodeficiencies. Number of patients: 44. Only high quality variants are reported.

GeneDx
Classification: Benign. Last evaluated: 2021-05-16. Review status: criteria provided, single submitter. Criteria: GeneDx Variant Classification Process June 2021. Collection method: clinical testing. Allele origin: germline. Affected: yes.